The following is an entry in ClinVar:

ClinVar aggregate classification (germline): Conflicting classifications of pathogenicity. Review status: criteria provided, conflicting classifications (1 of 4 stars). 6 submissions from 6 submitters: Uncertain significance (2); Likely benign (3). 1 of the submissions does not count toward it. Last evaluated 2026-09-01.

Conditions:
ANK3-related disorder. Also called: ANK3-related condition.
Inborn genetic diseases. Identifiers: MedGen C0950123, MeSH D030342.
Intellectual developmental disorder, autosomal recessive 37. Also called: Intellectual disability-hypotonia-spasticity-sleep disorder syndrome. Identifiers: Orphanet 356996, MedGen C3809672, MONDO:0014210, OMIM 615493.

Allele frequency attached by ClinVar (database versions not stated): 1000 Genomes Project 0.00120; gnomAD exomes 0.00164; TOPMed 0.00184; 1000 Genomes Project 30x 0.00109; ExAC 0.00166; gnomAD 0.00171 and 0.00178; ESP Exome Variant Server 0.00192.
gnomAD v4.1: 3,651 of 1,614,070 alleles (0.23%); highest among the groups gnomAD compares: Admixed American, 0.28%; 6 homozygotes.

Submissions (9):

CeGaT Center for Human Genetics Tuebingen
Classification: Likely benign. Last evaluated: 2026-09-01. Review status: criteria provided, single submitter. Criteria: CeGaT Center For Human Genetics Tuebingen Variant Classification Criteria Version 2. Collection method: clinical testing. Allele origin: germline. Affected: yes. Observed: 7 variant alleles.
Comment: ANK3: BS2

Labcorp Genetics (formerly Invitae), Labcorp
Classification: Likely benign. Last evaluated: 2026-01-05. Review status: criteria provided, single submitter. Criteria: Invitae Variant Classification Sherloc (09022015). Collection method: clinical testing. Allele origin: germline.

Ambry Genetics
Classification: Likely benign for Inborn genetic diseases. Last evaluated: 2022-09-15. Review status: criteria provided, single submitter. Criteria: Ambry Variant Classification Scheme 2023. Collection method: clinical testing. Allele origin: germline.

Fulgent Genetics
Classification: Uncertain significance for Intellectual developmental disorder, autosomal recessive 37. Last evaluated: 2018-10-31. Review status: criteria provided, single submitter. Criteria: ACMG Guidelines, 2015. Collection method: clinical testing. Allele origin: unknown.

Genetic Services Laboratory, University of Chicago
Classification: Uncertain significance. Last evaluated: 2016-08-22. Review status: criteria provided, single submitter. Criteria: ACMG Guidelines, 2015. Collection method: clinical testing. Allele origin: germline. Affected: no.

PreventionGenetics, part of Exact Sciences
Classification: Likely benign for ANK3-related condition. Last evaluated: 2022-02-15. Review status: no assertion criteria provided. Collection method: clinical testing. Allele origin: germline. Not counted in ClinVar's aggregate classification.
Comment: This variant is classified as likely benign based on ACMG/AMP sequence variant interpretation guidelines (Richards et al. 2015 PMID: 25741868, with internal and published modifications).

Dr. Peter K. Rogan Lab, Western University
No classification provided (evidence only). Condition: Lung cancer. Review status: no classification provided. Collection method: in vitro. Allele origin: not applicable. Functional consequence: retained intron. Not counted in ClinVar's aggregate classification.

Dr. Peter K. Rogan Lab, Western University
No classification provided (evidence only). Condition: Familial cancer of breast. Review status: no classification provided. Collection method: in vitro. Allele origin: not applicable. Functional consequence: retained intron. Not counted in ClinVar's aggregate classification.

Dr. Peter K. Rogan Lab, Western University
No classification provided (evidence only). Condition: Cervical cancer. Review status: no classification provided. Collection method: in vitro. Allele origin: not applicable. Functional consequence: retained intron. Not counted in ClinVar's aggregate classification.

NM_020987.5(ANK3):c.9997A>T (p.Thr3333Ser)

Gene: ANK3 (ankyrin 3; minus strand). Cytogenetic location: 10q21.2.
Variant type: single nucleotide variant.
Coding change: c.9997A>T on transcript NM_020987.5 (MANE Select); coding-DNA position 9997, A replaced by T.
Protein change: p.Thr3333Ser; replaces threonine 3333 with serine.
Molecular consequence: missense variant. On other transcripts: intron variant (4).
Genome position (GRCh38, 1-based): chr10:60,070,884, T>A on the plus strand (A>T on the coding strand, the complement: ANK3 is on the minus strand). VCF-style: chr10-60070884-T-A. GRCh37 (hg19) VCF-style: chr10-61830642-T-A.
Other names: c.4388-2875A>T (NM_001204403.2); c.4409-2875A>T (NM_001204404.2); c.4406-2875A>T (NM_001320874.2); c.1808-2875A>T (NM_001149.4); short protein forms T3333S.
Identifiers: ClinVar variation 434156 (VCV000434156.53), dbSNP rs140183285, ClinGen allele CA5511298.